The following is an entry in ClinVar:

NM_000260.4(MYO7A):c.3628A>T (p.Lys1210Ter)

Gene: MYO7A (myosin VIIA; plus strand). Cytogenetic location: 11q13.5.
Variant type: single nucleotide variant.
Coding change: c.3628A>T on transcript NM_000260.4 (MANE Select); coding-DNA position 3628, A replaced by T.
Protein change: p.Lys1210Ter; replaces lysine 1210 with a stop codon.
Molecular consequence: nonsense.
Genome position (GRCh38, 1-based): chr11:77,189,468, A>T. VCF-style: chr11-77189468-A-T. GRCh37 (hg19) VCF-style: chr11-76900513-A-T.
Other names: c.3628A>T, p.Lys1210Ter (NM_001127180.2); c.3595A>T, p.Lys1199Ter (NM_001369365.1); short protein forms K1210*, K1199*.
Identifiers: ClinVar variation 236485 (VCV000236485.10), dbSNP rs878853376, ClinGen allele CA10581682.

ClinVar aggregate classification (germline): Pathogenic. Review status: criteria provided, single submitter (1 of 4 stars). 2 submissions from 2 submitters: Pathogenic (1). 1 of the submissions does not count toward it. Last evaluated 2023-06-09.

Conditions:
Retinal dystrophy. Also called: Inherited retinal dystrophy. Identifiers: Orphanet 71862, MedGen C0854723, MeSH D058499, MONDO:0019118, HP:0000556.

Allele frequency attached by ClinVar (database versions not stated): gnomAD exomes below 0.00001.
gnomAD v4.1: 5 of 1,613,656 alleles (0.00031%); highest among the groups gnomAD compares: Non-Finnish European, 0.00042%; no homozygotes.

Submissions (2):

Labcorp Genetics (formerly Invitae), Labcorp
Classification: Pathogenic. Last evaluated: 2023-06-09. Review status: criteria provided, single submitter. Criteria: Invitae Variant Classification Sherloc (09022015). Collection method: clinical testing. Allele origin: germline.
Comment: For these reasons, this variant has been classified as Pathogenic. ClinVar contains an entry for this variant (Variation ID: 236485). This premature translational stop signal has been observed in individual(s) with clinical features of Usher syndrome (PMID: 27208204). This variant is present in population databases (no rsID available, gnomAD 0.0009%). This sequence change creates a premature translational stop signal (p.Lys1210*) in the MYO7A gene. It is expected to result in an absent or disrupted protein product. Loss-of-function variants in MYO7A are known to be pathogenic (PMID: 8900236, 25404053).

Centre for Genomic Medicine, Manchester, Central Manchester University Hospitals
Classification: Likely pathogenic for Retinal dystrophy. Review status: no assertion criteria provided. Collection method: clinical testing. Allele origin: germline. Affected: yes. Not counted in ClinVar's aggregate classification.

Literature cited by the submitters: PubMed 27208204 (cited by Labcorp Genetics (formerly Invitae), Labcorp); PubMed 8900236 (cited by Labcorp Genetics (formerly Invitae), Labcorp); PubMed 25404053 (cited by Labcorp Genetics (formerly Invitae), Labcorp).